The following is an entry in ClinVar:

ClinVar aggregate classification (germline): Pathogenic. Review status: criteria provided, single submitter (1 of 4 stars). 2 submissions from 2 submitters: Pathogenic (1). 1 of the submissions does not count toward it. Last evaluated 2019-11-09.

Conditions:
Progressive pseudorheumatoid dysplasia (PPRD). Also called: Progressive Pseudorheumatoid Arthropathy of Childhood; SPONDYLOEPIPHYSEAL DYSPLASIA TARDA WITH PROGRESSIVE ARTHROPATHY. Identifiers: Orphanet 1159, MedGen C0432215, MONDO:0008827, OMIM 208230. Disease mechanism: loss of function.

Allele frequency attached by ClinVar (database versions not stated): gnomAD exomes below 0.00001; TOPMed below 0.00001; ExAC 0.00001.

Submissions (2):

Breakthrough Genomics
Classification: Pathogenic for Progressive pseudorheumatoid dysplasia. Last evaluated: 2019-11-09. Review status: criteria provided, single submitter. Criteria: ACMG Guidelines, 2015. Collection method: clinical testing. Allele origin: germline. Affected: yes.
Comment: In-silico splice prediction tool (NNSPLICE) suggest that this variant might affect splicing due to the loss of constitutive splice site, which in turn might lead to a frameshift and consequent premature termination of the protein; this will likely result in loss-of-function. The variant (reported as insT+2IVS1) has been previously reported in a family from Jordan with progressive pseudorheumatoid arthropathy of childhood in homozygous state and it was not detected in the studied controls [PMID: 10471507]

OMIM
Classification: Pathogenic for PROGRESSIVE PSEUDORHEUMATOID ARTHROPATHY. Last evaluated: 1999-09-01. Review status: no assertion criteria provided. Collection method: literature only. Allele origin: germline. Not counted in ClinVar's aggregate classification.

Literature cited by the submitters: PubMed 10471507 (cited by OMIM).

NM_198239.2(CCN6):c.48+2dup

Gene: CCN6 (cellular communication network factor 6; plus strand). Cytogenetic location: 6q21.
Variant type: Duplication.
Coding change: c.48+2dup on transcript NM_198239.2 (MANE Select); the canonical splice donor site of the intron after coding-DNA position 48, one base duplicated (T; older notation c.48+2dupT).
Molecular consequence: splice donor variant.
Genome position (GRCh38, 1-based): chr6:112,054,407, T duplicated. VCF-style (leftmost placement, unchanged base first): chr6-112054406-G-GT. GRCh37 (hg19) VCF-style: chr6-112375609-G-GT.
Other names: c.48+2dup (NM_003880.4).
Identifiers: ClinVar variation 6384 (VCV000006384.5), dbSNP rs797044439, ClinGen allele CA212853.